The following is an entry in ClinVar:

NM_001042492.3(NF1):c.2331G>A (p.Trp777Ter)

Gene: NF1 (neurofibromin 1; plus strand). Cytogenetic location: 17q11.2.
Variant type: single nucleotide variant.
Coding change: c.2331G>A on transcript NM_001042492.3 (MANE Select); coding-DNA position 2331, G replaced by A.
Protein change: p.Trp777Ter; replaces tryptophan 777 with a stop codon.
Molecular consequence: nonsense.
Genome position (GRCh38, 1-based): chr17:31,227,528, G>A. VCF-style: chr17-31227528-G-A. GRCh37 (hg19) VCF-style: chr17-29554546-G-A.
Other names: c.2331G>A, p.Trp777Ter (NM_000267.4); short protein forms W777*.
Identifiers: ClinVar variation 439992 (VCV000439992.15), dbSNP rs1555613983, ClinGen allele CA398983015.
Genomic context (GRCh38, chr17:31,227,528, plus strand): 5'-TTGATGTTTAGCTCTAGACTAAGTTGCTTTCAAGTGATAATTGCCTTCATTTTAGGCTTG[G>A]GAAGATACACATGCAAAATGGGAACAAGCAACAAAGCTAATCCTTAACTATCCAAAAGCC-3'

ClinVar aggregate classification (germline): Pathogenic/Likely pathogenic. Review status: criteria provided, multiple submitters, no conflicts (2 of 4 stars). 7 submissions from 7 submitters: Pathogenic (5); Likely pathogenic (2). Last evaluated 2026-08-24.

Conditions:
Cardiovascular phenotype. Identifiers: MedGen CN230736.
Hereditary cancer-predisposing syndrome. Also called: Hereditary Cancer Syndrome; Tumor predisposition; Hereditary neoplastic syndrome; Neoplastic Syndromes, Hereditary. Identifiers: Orphanet 140162, MedGen C0027672, MeSH D009386, MONDO:0015356.
Neurofibromatosis, type 1 (NF1). Also called: Neurofibromatosis, type I; Peripheral type neurofibromatosis; VON RECKLINGHAUSEN DISEASE; NEUROFIBROMATOSIS, TYPE I, SOMATIC. Identifiers: Orphanet 636, MedGen C0027831, MONDO:0018975, OMIM 162200. Disease mechanism: loss of function.

Submissions (7):

GeneDx
Classification: Pathogenic. Last evaluated: 2026-08-24. Review status: criteria provided, single submitter. Criteria: GeneDx Variant Classification Process June 2021. Collection method: clinical testing. Allele origin: germline.
Comment: Observed in a patient with astrocytoma (PMID: 33674644); Nonsense variant predicted to result in protein truncation or nonsense mediated decay in a gene for which loss of function is a known mechanism of disease; Not observed at significant frequency in large population cohorts (gnomAD); This variant is associated with the following publications: (PMID: 33674644)

Clinical Genetics Laboratory, Skane University Hospital Lund
Classification: Pathogenic for Neurofibromatosis, type 1. Last evaluated: 2026-05-15. Review status: criteria provided, single submitter. Criteria: ACMG Guidelines, 2015. Collection method: clinical testing. Allele origin: germline. Affected: yes.
Comment: ACMG criteria applied: PVS1, PM2, PP1 and PP4_moderate.

Ambry Genetics
Classification: Pathogenic for Cardiovascular phenotype; Hereditary cancer-predisposing syndrome. Last evaluated: 2026-05-04. Review status: criteria provided, single submitter. Criteria: Ambry Variant Classification Scheme 2023. Collection method: clinical testing. Allele origin: germline.
Comment: The p.W777* pathogenic mutation (also known as c.2331G>A), located in coding exon 20 of the NF1 gene, results from a G to A substitution at nucleotide position 2331. This changes the amino acid from a tryptophan to a stop codon within coding exon 20. This variant was reported in individual(s) with features consistent with Neurofibromatosis type 1 (Ambry internal data). This variant is considered to be rare based on population cohorts in the Genome Aggregation Database (gnomAD). This alteration is expected to result in loss of function by premature protein truncation or nonsense-mediated mRNA decay. As such, this alteration is interpreted as a disease-causing mutation.

Medical and Scientific Branch, Hong Kong Genome Institute
Classification: Pathogenic for Neurofibromatosis, type 1. Last evaluated: 2026-01-26. Review status: criteria provided, single submitter. Criteria: ACMG Guidelines, 2015. Collection method: clinical testing. Allele origin: de novo. Affected: yes.

Genome-Nilou Lab
Classification: Likely pathogenic for Neurofibromatosis, type 1. Last evaluated: 2022-03-15. Review status: criteria provided, single submitter. Criteria: ACMG Guidelines, 2015. Collection method: clinical testing. Allele origin: germline. Affected: no.

Women's Health and Genetics/Laboratory Corporation of America, LabCorp
Classification: Likely pathogenic for Neurofibromatosis, type 1. Last evaluated: 2022-02-10. Review status: criteria provided, single submitter. Criteria: LabCorp Variant Classification Summary - May 2015. Collection method: clinical testing. Allele origin: germline.
Comment: Variant summary: NF1 c.2331G>A (p.Trp777X) results in a premature termination codon, predicted to cause a truncation of the encoded protein or absence of the protein due to nonsense mediated decay, which are commonly known mechanisms for disease. The variant was absent in 251306 control chromosomes (gnomAD). c.2331G>A has been reported in the literature in a patient affected with pediatric astrocytoma (von Stedingk_2021) that belongs to the neurofibromatosis tumor spectrum. To our knowledge, no experimental evidence demonstrating an impact on protein function has been reported. One clinical diagnostic laboratory has submitted clinical-significance assessments for this variant to ClinVar after 2014 without evidence for independent evaluation, and classified the variant as pathogenic. Based on the evidence outlined above, the variant was classified as likely pathogenic.

ARUP Laboratories, Molecular Genetics and Genomics, ARUP Laboratories
Classification: Pathogenic. Last evaluated: 2016-11-30. Review status: criteria provided, single submitter. Criteria: ARUP Molecular Germline Variant Investigation Process. Collection method: clinical testing. Allele origin: germline.

Literature cited by the submitters: PubMed 33674644 (cited by Women's Health and Genetics/Laboratory Corporation of America, LabCorp).